The following is an entry in ClinVar:

NM_032977.4(CASP10):c.1022G>A (p.Cys341Tyr)

Gene: CASP10 (caspase 10; plus strand). Cytogenetic location: 2q33.1.
Variant type: single nucleotide variant.
Coding change: c.1022G>A on transcript NM_032977.4 (MANE Select); coding-DNA position 1022, G replaced by A.
Protein change: p.Cys341Tyr; replaces cysteine 341 with tyrosine.
Molecular consequence: missense variant. On other transcripts: 3 prime UTR variant (1).
Genome position (GRCh38, 1-based): chr2:201,209,169, G>A. VCF-style: chr2-201209169-G-A. GRCh37 (hg19) VCF-style: chr2-202073892-G-A.
Other names: c.821G>A, p.Cys274Tyr (NM_001206524.2); c.893G>A, p.Cys298Tyr (NM_001206542.2, NM_001230.5); c.1022G>A, p.Cys341Tyr (NM_032974.5); c.*108G>A (NM_032976.4); short protein forms C274Y, C341Y, C298Y.
Identifiers: ClinVar variation 2935500 (VCV002935500.3), dbSNP rs1576126510, ClinGen allele CA350289105.
Genomic context (GRCh38, chr2:201,209,169, plus strand): 5'-TGCATATACACAATAATGTGACGAAAGTGGAAATGGAGATGGTCCTGCAGAAGCAGAAGT[G>A]CAATCCAGCCCATGCCGACGGGGACTGCTTCGTGTTCTGTATTCTGACCCATGGGAGATT-3'
Protein context (NP_116759.2, residues 331-351): EMEMVLQKQK[Cys341Tyr]NPAHADGDCF

ClinVar aggregate classification (germline): Uncertain significance (1 of 4 stars; one submission).

Conditions:
Autoimmune lymphoproliferative syndrome type 2A (ALPS2A). Also called: CASP10-Related Autoimmune Lymphoproliferative Syndrome; AUTOIMMUNE LYMPHOPROLIFERATIVE SYNDROME, TYPE IIA; Autoimmune lymphoproliferative syndrome type 2. Identifiers: Orphanet 3261, MedGen C1858968, MONDO:0011383, OMIM 603909.

Submission:

Labcorp Genetics (formerly Invitae), Labcorp
Classification: Uncertain significance for Autoimmune lymphoproliferative syndrome type 2A. Last evaluated: 2023-01-26. Review status: criteria provided, single submitter. Criteria: Invitae Variant Classification Sherloc (09022015). Collection method: clinical testing. Allele origin: germline.
Comment: In summary, the available evidence is currently insufficient to determine the role of this variant in disease. Therefore, it has been classified as a Variant of Uncertain Significance. Advanced modeling of protein sequence and biophysical properties (such as structural, functional, and spatial information, amino acid conservation, physicochemical variation, residue mobility, and thermodynamic stability) performed at Invitae indicates that this missense variant is not expected to disrupt CASP10 protein function. This variant has not been reported in the literature in individuals affected with CASP10-related conditions. This variant is not present in population databases (gnomAD no frequency). This sequence change replaces cysteine, which is neutral and slightly polar, with tyrosine, which is neutral and polar, at codon 341 of the CASP10 protein (p.Cys341Tyr).